The following is an entry in ClinVar:

ClinVar aggregate classification (germline): Likely pathogenic (0 of 4 stars; one submission).

Conditions:
PHEX-related disorder. Also called: PHEX-related condition.

Submission:

PreventionGenetics, part of Exact Sciences
Classification: Likely pathogenic for PHEX-related condition. Last evaluated: 2024-08-14. Review status: no assertion criteria provided. Collection method: clinical testing. Allele origin: germline.
Comment: The PHEX c.2066C>T variant is predicted to result in the amino acid substitution p.Ala689Val. This variant has been reported in individuals with X-linked hypophosphatemic rickets (Watts et al 2015. PubMed ID: 26561226; Table S4, Thiele et al. 2020. PubMed ID: 33107440; Table S1, Sarafrazi et al. 2022. PubMed ID: 34806794) and found in the heterozygous state in four individuals from one family with X-linked hypophosphatemic rickets (DOI: 10.3969/j.issn.1007-9572.2018.00.117). This variant has not been reported in a large population database, indicating this variant is rare. This variant is interpreted as likely pathogenic.

NM_000444.6(PHEX):c.2066C>T (p.Ala689Val)

Genes: PHEX (phosphate regulating endopeptidase X-linked; plus strand), PTCHD1-AS (PTCHD1 antisense RNA (head to head); minus strand). Cytogenetic location: Xp22.11.
Variant type: single nucleotide variant.
Coding change: c.2066C>T on transcript NM_000444.6 (MANE Select); coding-DNA position 2066, C replaced by T.
Protein change: p.Ala689Val; replaces alanine 689 with valine.
Molecular consequence: missense variant. On other transcripts: non-coding transcript variant (1).
Genome position (GRCh38, 1-based): chrX:22,227,607, C>T. VCF-style: chrX-22227607-C-T. GRCh37 (hg19) VCF-style: chrX-22245724-C-T.
Other names: c.2066C>T, p.Ala689Val (NM_001282754.2); short protein forms A689V.
Identifiers: ClinVar variation 3344649 (VCV003344649.1).
Genomic context (GRCh38, chrX:22,227,607, plus strand): 5'-AGGAGCCTCTTCTACCAGGCATCACATTCACCAACAACCAGCTCTTCTTCCTGAGTTATG[C>T]TCATGTGAGTAGACTGAGGAAGGGGCATCAGGGATGAGATGCAGGACTTGAGTTTGCTCC-3'
Protein context (NP_000435.3, residues 679-699): TNNQLFFLSY[Ala689Val]HVRCNSYRPE